The following is an entry in ClinVar:

ClinVar aggregate classification (germline): Uncertain significance (1 of 4 stars; one submission).

Submission:

GeneDx
Classification: Uncertain significance. Last evaluated: 2026-04-01. Review status: criteria provided, single submitter. Criteria: GeneDx Variant Classification Process June 2021. Collection method: clinical testing. Allele origin: germline.
Comment: Not observed at significant frequency in large population cohorts (gnomAD); In silico analysis suggests that this missense variant does not alter protein structure/function; Has not been previously published as pathogenic or benign to our knowledge; Occurs in the triple helical domain at the Y position in the canonical Gly-X-Y repeat; although this variant may have an effect on normal protein folding and function, missense substitution at the Y position is not a common mechanism of disease

NM_000092.5(COL4A4):c.2257A>C (p.Asn753His)

Gene: COL4A4 (collagen type IV alpha 4 chain; minus strand). Cytogenetic location: 2q36.3.
Variant type: single nucleotide variant.
Coding change: c.2257A>C on transcript NM_000092.5 (MANE Select); coding-DNA position 2257, A replaced by C.
Protein change: p.Asn753His; replaces asparagine 753 with histidine.
Molecular consequence: missense variant.
Genome position (GRCh38, 1-based): chr2:227,059,531, T>G on the plus strand (A>C on the coding strand, the complement: COL4A4 is on the minus strand). VCF-style: chr2-227059531-T-G. GRCh37 (hg19) VCF-style: chr2-227924247-T-G.
Other names: short protein forms N753H.
Identifiers: ClinVar variation 5017589 (VCV005017589.1).